The following is an entry in ClinVar:

ClinVar aggregate classification (germline): Uncertain significance (1 of 4 stars; one submission).

Conditions:
Lethal Kniest-like syndrome (DDSH). Also called: Dyssegmental Dysplasia. Identifiers: Orphanet 1865, MedGen C1857100, MONDO:0009140, OMIM 224410.

Allele frequency attached by ClinVar (database versions not stated): gnomAD 0.00001; TOPMed 0.00001.
gnomAD v4.1: 3 of 1,611,870 alleles (0.00019%); highest among the groups gnomAD compares: Admixed American, 0.005%; no homozygotes.

Submission:

Baylor Genetics
Classification: Uncertain significance for Lethal Kniest-like syndrome. Last evaluated: 2018-08-18. Review status: criteria provided, single submitter. Criteria: ACMG Guidelines, 2015. Collection method: clinical testing. Allele origin: unknown. Affected: yes.
Comment: This variant was determined to be of uncertain significance according to ACMG Guidelines, 2015 [PMID:25741868].

NM_005529.7(HSPG2):c.1666A>T (p.Thr556Ser)

Gene: HSPG2 (heparan sulfate proteoglycan 2; minus strand). Cytogenetic location: 1p36.12.
Variant type: single nucleotide variant.
Coding change: c.1666A>T on transcript NM_005529.7 (MANE Select); coding-DNA position 1666, A replaced by T.
Protein change: p.Thr556Ser; replaces threonine 556 with serine.
Molecular consequence: missense variant.
Genome position (GRCh38, 1-based): chr1:21,881,491, T>A on the plus strand (A>T on the coding strand, the complement: HSPG2 is on the minus strand). VCF-style: chr1-21881491-T-A. GRCh37 (hg19) VCF-style: chr1-22207984-T-A.
Other names: c.1669A>T, p.Thr557Ser (NM_001291860.2); short protein forms T556S, T557S.
Identifiers: ClinVar variation 1031538 (VCV001031538.1), dbSNP rs769587805, ClinGen allele CA673336.